The following is an entry in ClinVar:

NM_001165963.4(SCN1A):c.2354T>C (p.Met785Thr)

Gene: SCN1A (sodium voltage-gated channel alpha subunit 1; minus strand). Cytogenetic location: 2q24.3.
Variant type: single nucleotide variant.
Coding change: c.2354T>C on transcript NM_001165963.4 (MANE Select); coding-DNA position 2354, T replaced by C.
Protein change: p.Met785Thr; replaces methionine 785 with threonine.
Molecular consequence: missense variant. On other transcripts: 5 prime UTR variant (1), non-coding transcript variant (1).
Genome position (GRCh38, 1-based): chr2:166,041,292, A>G on the plus strand (T>C on the coding strand, the complement: SCN1A is on the minus strand). VCF-style: chr2-166041292-A-G. GRCh37 (hg19) VCF-style: chr2-166897802-A-G.
Other names: p.M785T:ATG>ACG; c.2270T>C, p.Met757Thr (NM_001165964.3, NM_001353957.2, NM_001353958.2); c.2354T>C, p.Met785Thr (NM_001202435.3, NM_001353948.2); c.2321T>C, p.Met774Thr (NM_001353949.2, NM_001353950.2, NM_001353951.2 and 2 more transcripts); c.2318T>C, p.Met773Thr (NM_001353954.2, NM_001353955.2); c.2267T>C, p.Met756Thr (NM_001353960.2); c.-105T>C (NM_001353961.2); short protein forms M774T, M785T, M773T, M756T, M757T.
Identifiers: ClinVar variation 206938 (VCV000206938.6), dbSNP rs796053095, ClinGen allele CA317788.

ClinVar aggregate classification (germline): Pathogenic/Likely pathogenic. Review status: criteria provided, multiple submitters, no conflicts (2 of 4 stars). 3 submissions from 3 submitters: Pathogenic (1); Likely pathogenic (2). Last evaluated 2023-08-15.

Conditions:
Developmental and epileptic encephalopathy 6B. Also called: Developmental and epileptic encephalopathy 6B, non-Dravet. Identifiers: MedGen C5543353, MONDO:0030268, OMIM 619317.
Severe myoclonic epilepsy in infancy (DRVT). Also called: Epileptic encephalopathy, early infantile, 6 (Dravet syndrome); Dravet syndrome; SEVERE MYOCLONIC EPILEPSY OF INFANCY; DEVELOPMENTAL AND EPILEPTIC ENCEPHALOPATHY 6A; Severe Myoclonic Epilepsy in Infancy (SMEI). Identifiers: Orphanet 33069, MedGen C0751122, MONDO:0100135, OMIM 607208.

Submissions (3):

3billion
Classification: Likely pathogenic for Developmental and epileptic encephalopathy 6B. Last evaluated: 2023-08-15. Review status: criteria provided, single submitter. Criteria: ACMG Guidelines, 2015. Collection method: clinical testing. Allele origin: germline. Affected: yes.
Comment: The variant is not observed in the gnomAD v2.1.1 dataset. Predicted Consequence/Location: Missense variant In silico tool predictions suggest damaging effect of the variant on gene or gene product [REVEL: 0.94 (>=0.6, sensitivity 0.68 and specificity 0.92); 3Cnet: 0.99 (>=0.6, sensitivity 0.72 and precision 0.9)]. Same nucleotide change resulting in same amino acid change has been previously reported to be associated with SCN1A related disorder (ClinVar ID: VCV000206938). Different missense changes at the same codon (p.Met785Arg, p.Met785Ile, p.Met785Leu, p.Met785Val) has been reported as pathogenic/likely pathogenic with strong evidence (ClinVar ID: VCV000189917, VCV000521545, VCV000581674, VCV001066611 /PMID: 26096185). Therefore, this variant is classified as Likely pathogenic according to the recommendation of ACMG/AMP guideline.

GeneDx
Classification: Likely pathogenic. Last evaluated: 2021-10-13. Review status: criteria provided, single submitter. Criteria: GeneDx Variant Classification Process June 2021. Collection method: clinical testing. Allele origin: germline. Affected: yes.
Comment: Not observed at significant frequency in large population cohorts (Lek et al., 2016); This substitution is predicted to be within the transmembrane segment S1 of the second homologous domain; In silico analysis supports that this missense variant has a deleterious effect on protein structure/function; Missense variants in this gene are often considered pathogenic (Stenson et al., 2014); This variant is associated with the following publications: (PMID: 29655203, 21248271, 31864146, 32090326)

Clinical Genetics Service, Universitary Hospital 12 de Octubre
Classification: Pathogenic for Severe myoclonic epilepsy in infancy. Review status: criteria provided, single submitter. Criteria: ACMG Guidelines, 2015. Collection method: clinical testing. Allele origin: de novo. Affected: yes.

Literature cited by the submitters: PubMed 26096185 (cited by 3billion).